The following is an entry in ClinVar:

NM_005912.3(MC4R):c.151T>C (p.Phe51Leu)

Gene: MC4R (melanocortin 4 receptor; minus strand). Cytogenetic location: 18q21.32.
Variant type: single nucleotide variant.
Coding change: c.151T>C on transcript NM_005912.3 (MANE Select); coding-DNA position 151, T replaced by C.
Protein change: p.Phe51Leu; replaces phenylalanine 51 with leucine.
Molecular consequence: missense variant.
Genome position (GRCh38, 1-based): chr18:60,372,199, A>G on the plus strand (T>C on the coding strand, the complement: MC4R is on the minus strand). VCF-style: chr18-60372199-A-G. GRCh37 (hg19) VCF-style: chr18-58039432-A-G.
Other names: c.151T>C (NM_005912.2); short protein forms F51L.
Identifiers: ClinVar variation 4082014 (VCV004082014.2).

ClinVar aggregate classification (germline): Uncertain significance. Review status: criteria provided, single submitter (1 of 4 stars). 2 submissions from 2 submitters: Uncertain significance (1). 1 of the submissions does not count toward it. Last evaluated 2026-04-24.

Conditions:
BODY MASS INDEX QUANTITATIVE TRAIT LOCUS 20 (BMIQ20). Also called: MELANOCORTIN 4 RECEPTOR DEFICIENCY; MC4R DEFICIENCY. Identifiers: MedGen C4759928, OMIM 618406.
MC4R-related disorder. Also called: MC4R-related condition.

Submissions (2):

PreventionGenetics, part of Exact Sciences
Classification: Uncertain significance for MC4R-related condition. Last evaluated: 2026-04-24. Review status: criteria provided, single submitter. Criteria: ACMG Guidelines, 2015. Collection method: clinical testing. Allele origin: germline.
Comment: The MC4R c.151T>C variant is predicted to result in the amino acid substitution p.Phe51Leu. This variant was previously reported in the heterozygous state in individuals with obesity (Branson et al. 2003. PubMed ID: 12646666; Stutzmann et al. 2008. PubMed ID: 18559663). However, functional analyses from one study indicated that the p.Phe51Leu variant protein functions similar to wild type (Tao et al. 2005. PubMed ID: 16030156) and another showed increased cAMP and pERK1/2 activation for the variant (He et al. 2014. PubMed ID: 25332687). This variant is reported in 0.0054% of alleles in individuals of East Asian descent in gnomAD. At this time, the clinical significance of this variant is uncertain due to the absence of conclusive functional and genetic evidence.

Clinical Genetics Laboratory, University Hospital Schleswig-Holstein
Classification: Likely pathogenic for BODY MASS INDEX QUANTITATIVE TRAIT LOCUS 20. Last evaluated: 2024-09-19. Review status: no assertion criteria provided. Collection method: clinical testing. Allele origin: germline. Affected: yes. Not counted in ClinVar's aggregate classification.